The following is an entry in ClinVar:

NM_005629.4(SLC6A8):c.1879A>C (p.Lys627Gln)

Gene: SLC6A8 (solute carrier family 6 member 8; plus strand). Cytogenetic location: Xq28.
Variant type: single nucleotide variant.
Coding change: c.1879A>C on transcript NM_005629.4 (MANE Select); coding-DNA position 1879, A replaced by C.
Protein change: p.Lys627Gln; replaces lysine 627 with glutamine.
Molecular consequence: missense variant.
Genome position (GRCh38, 1-based): chrX:153,695,185, A>C. VCF-style: chrX-153695185-A-C. GRCh37 (hg19) VCF-style: chrX-152960640-A-C.
Other names: NM_005629.4(SLC6A8):c.1879A>C; p.Lys627Gln; c.1849A>C, p.Lys617Gln (NM_001142805.2); c.1534A>C, p.Lys512Gln (NM_001142806.1); short protein forms K627Q, K512Q, K617Q.
Identifiers: ClinVar variation 432943 (VCV000432943.11), dbSNP rs201637740, ClinGen allele CA10549676.

ClinVar aggregate classification (germline): Likely benign. Review status: reviewed by expert panel (3 of 4 stars). 3 submissions from 3 submitters: Likely benign (1). 2 of the submissions do not count toward it. Last evaluated 2025-03-13.

Conditions:
Creatine transporter deficiency (CCDS1). Also called: Creatine Transporter (CRTR) Deficiency; Mental retardation , X-linked with seizures, short stature and midface hypoplasia; Mental retardation , X-linked, with creatine transport deficiency; X-linked creatine transporter deficiency; X-linked creatine deficiency syndrome; SLC6A8-Related Creatine Transporter Deficiency. Identifiers: Orphanet 52503, MedGen C1845862, MONDO:0010305, OMIM 300352.

Allele frequency attached by ClinVar (database versions not stated): TOPMed 0.00001; gnomAD 0.00002; gnomAD exomes 0.00007 and 0.00016; ExAC 0.00040.
gnomAD v4.1: 76 of 1,188,651 alleles (0.0064%); highest among the groups gnomAD compares: Non-Finnish European, 0.0032%; no homozygotes.

Submissions (3):

ClinGen Cerebral Creatine Deficiency Syndromes Variant Curation Expert Panel, ClinGen
Classification: Likely benign for Creatine transporter deficiency. Last evaluated: 2025-03-13. Review status: reviewed by expert panel. Criteria: ClinGen_CCDS_ACMG_Specifications_SLC6A8_v1.1. Collection method: curation. Allele origin: germline. Inheritance: X-linked inheritance.
Comment: The NM_005629.4:c.1879A>C variant in SLC6A8 is a missense variant predicted to cause the substitution of a lysine by a glutamine at amino acid position 627 (p.Lys627Gln). To our knowledge, this variant has not been reported in the literature and no functional studies are available. In gnomAD v4.1.0. the highest population minor allele frequency (MAF) in a continental population is 0.00003167 (28/883996 alleles; 7 hemizygotes) in the European non-Finnish population. This MAF is higher that the ClinGen CCDS VCEP's threshold for PM2_Supporting (<0.00002) but lower than the threshold for BS1 (>0.0002). Therefore, no population codes are met. Of note, the highest MAF in any population is 0.0009383 (42/44763 alleles, 13 hemizygotes) in the Finnish population. Overall, there are 22 hemizygotes in gnomAD v4.1.0. (13 in the European Finnish, 7 in the European non-Finnish, and 2 in the remaining population) (BS2). The computational predictor REVEL gives a score of 0.333, which is less than the ClinGen CCDS VCEP’s threshold for PP3 (>0.75) but greater than the ClinGen CCDS VCEP’s threshold for BP4 (<0.2), such that neither of these criteria are met. SpliceAI predicts no impact on splicing. There is a ClinVar entry for this variant (Variation ID: 432943). Due to the presence of 22 hemizygotes in gnomAD v4.1.0, the consensus of the CCDS VCEP is to classify this variant as likely benign for creatine transporter deficiency, a severe, pediatric onset neurodevelopmental disorder. SLC6A8-specific ACMG/AMP criteria applied, as specified by the ClinGen CCDS VCEP (Specifications Version 1.1.0): BS2 (Classification approved by the ClinGen Cerebral Creatine Deficiency Syndromes Variant Curation Expert Panel on March 13, 2025)

Labcorp Genetics (formerly Invitae), Labcorp
Classification: Benign for Creatine transporter deficiency. Last evaluated: 2026-01-27. Review status: criteria provided, single submitter. Criteria: Invitae Variant Classification Sherloc (09022015). Collection method: clinical testing. Allele origin: germline. Not counted in ClinVar's aggregate classification.

GeneDx
Classification: Uncertain significance. Last evaluated: 2017-06-22. Review status: criteria provided, single submitter. Criteria: GeneDx Variant Classification (06012015). Collection method: clinical testing. Allele origin: germline. Affected: yes. Not counted in ClinVar's aggregate classification.
Comment: A variant of uncertain significance has been identified in the SLC6A8 gene. The K627Q variant has not been published as a pathogenic variant, nor has it been reported as a benign variant to our knowledge. The K627Q variant is observed in 2/1570 (0.1%) alleles from individuals of Finnish background, including 2 unrelated hemizygous individuals in large population cohorts (Lek et al., 2016; 1000 Genomes Consortium et al., 2015; Exome Variant Server). The K627Q variant is a semi-conservative amino acid substitution, which may impact secondary protein structure as these residues differ in some properties. This substitution occurs at a position that is conserved across species. In silico analysis is inconsistent in its predictions as to whether or not the variant is damaging to the protein structure/function. Based on the currently available information, it is unclear whether this variant is a pathogenic variant or a rare benign variant.